The following is an entry in ClinVar:

NM_014009.4(FOXP3):c.1253G>A (p.Ser418Asn)

Gene: FOXP3 (forkhead box P3; minus strand). Cytogenetic location: Xp11.23.
Variant type: single nucleotide variant.
Coding change: c.1253G>A on transcript NM_014009.4 (MANE Select); coding-DNA position 1253, G replaced by A.
Protein change: p.Ser418Asn; replaces serine 418 with asparagine.
Molecular consequence: missense variant.
Genome position (GRCh38, 1-based): chrX:49,251,377, C>T on the plus strand (G>A on the coding strand, the complement: FOXP3 is on the minus strand). VCF-style: chrX-49251377-C-T. GRCh37 (hg19) VCF-style: chrX-49107838-C-T.
Other names: c.1148G>A, p.Ser383Asn (NM_001114377.2); short protein forms S383N, S418N.
Identifiers: ClinVar variation 1482895 (VCV001482895.8), dbSNP rs1317916668, ClinGen allele CA412947195.

ClinVar aggregate classification (germline): Uncertain significance (1 of 4 stars; one submission).

Conditions:
Insulin-dependent diabetes mellitus secretory diarrhea syndrome (IPEX). Also called: DIABETES MELLITUS, CONGENITAL INSULIN-DEPENDENT, WITH FATAL SECRETORY DIARRHEA; DIARRHEA, POLYENDOCRINOPATHY, FATAL INFECTION SYNDROME, X-LINKED; ENTEROPATHY, AUTOIMMUNE, WITH HEMOLYTIC ANEMIA AND POLYENDOCRINOPATHY; Immunodysregulation, polyendocrinopathy, and enteropathy, X-linked; IMMUNODEFICIENCY, POLYENDOCRINOPATHY, AND ENTEROPATHY, X-LINKED; Immunodeficiency, Polyendocrinopathy, and Enteropathy X-Linked Syndrome. Identifiers: Orphanet 37042, MedGen C0342288, MONDO:0010580, OMIM 304790. Disease mechanism: loss of function.

gnomAD v4.1: 1 of 1,211,389 alleles (0.000083%); highest among the groups gnomAD compares: Non-Finnish European, 0.00011%; no homozygotes.

Submission:

Labcorp Genetics (formerly Invitae), Labcorp
Classification: Uncertain significance for Insulin-dependent diabetes mellitus secretory diarrhea syndrome. Last evaluated: 2021-05-03. Review status: criteria provided, single submitter. Criteria: Invitae Variant Classification Sherloc (09022015). Collection method: clinical testing. Allele origin: germline.
Comment: In summary, the available evidence is currently insufficient to determine the role of this variant in disease. Therefore, it has been classified as a Variant of Uncertain Significance. Algorithms developed to predict the effect of missense changes on protein structure and function (SIFT, PolyPhen-2, Align-GVGD) all suggest that this variant is likely to be tolerated, but these predictions have not been confirmed by published functional studies and their clinical significance is uncertain. This variant has not been reported in the literature in individuals with FOXP3-related conditions. This variant is not present in population databases (ExAC no frequency). This sequence change replaces serine with asparagine at codon 418 of the FOXP3 protein (p.Ser418Asn). The serine residue is moderately conserved and there is a small physicochemical difference between serine and asparagine.